The following is an entry in ClinVar:

ClinVar aggregate classification (germline): Uncertain significance. Review status: criteria provided, multiple submitters, no conflicts (2 of 4 stars). 3 submissions from 3 submitters: Uncertain significance (2). 1 of the submissions does not count toward it. Last evaluated 2025-08-29.

Conditions:
IFT74-related disorder. Also called: IFT74-related condition; IFT74-Related Disorders.
Inborn genetic diseases. Identifiers: MedGen C0950123, MeSH D030342.

Allele frequency attached by ClinVar (database versions not stated): gnomAD 0.00001; TOPMed 0.00001; ExAC 0.00003; gnomAD exomes 0.00003 and 0.00005; ESP Exome Variant Server 0.00008.

Submissions (3):

Labcorp Genetics (formerly Invitae), Labcorp
Classification: Uncertain significance. Last evaluated: 2025-08-29. Review status: criteria provided, single submitter. Criteria: Invitae Variant Classification Sherloc (09022015). Collection method: clinical testing. Allele origin: germline.
Comment: This sequence change replaces arginine, which is basic and polar, with histidine, which is basic and polar, at codon 406 of the IFT74 protein (p.Arg406His). This variant is present in population databases (rs370969303, gnomAD 0.004%). This variant has not been reported in the literature in individuals affected with IFT74-related conditions. ClinVar contains an entry for this variant (Variation ID: 1465889). An algorithm developed to predict the effect of missense changes on protein structure and function outputs the following: PolyPhen-2: "Benign". The histidine amino acid residue is found in multiple mammalian species, which suggests that this missense change does not adversely affect protein function. In summary, the available evidence is currently insufficient to determine the role of this variant in disease. Therefore, it has been classified as a Variant of Uncertain Significance.

Ambry Genetics
Classification: Uncertain significance for Inborn genetic diseases. Last evaluated: 2024-05-08. Review status: criteria provided, single submitter. Criteria: Ambry Variant Classification Scheme 2023. Collection method: clinical testing. Allele origin: germline.

PreventionGenetics, part of Exact Sciences
Classification: Uncertain significance for IFT74-related condition. Last evaluated: 2024-08-06. Review status: no assertion criteria provided. Collection method: clinical testing. Allele origin: germline. Not counted in ClinVar's aggregate classification.
Comment: The IFT74 c.1217G>A variant is predicted to result in the amino acid substitution p.Arg406His. To our knowledge, this variant has not been reported in the literature. This variant is reported in 0.0042% of alleles in individuals of African descent in gnomAD. At this time, the clinical significance of this variant is uncertain due to the absence of conclusive functional and genetic evidence.

NM_025103.4(IFT74):c.1217G>A (p.Arg406His)

Gene: IFT74 (intraflagellar transport 74; plus strand). Cytogenetic location: 9p21.2.
Variant type: single nucleotide variant.
Coding change: c.1217G>A on transcript NM_025103.4 (MANE Select); coding-DNA position 1217, G replaced by A.
Protein change: p.Arg406His; replaces arginine 406 with histidine.
Molecular consequence: missense variant.
Genome position (GRCh38, 1-based): chr9:27,048,158, G>A. VCF-style: chr9-27048158-G-A. GRCh37 (hg19) VCF-style: chr9-27048156-G-A.
Other names: c.1217G>A (NM_001099222.1, NM_025103.2); c.1217G>A, p.Arg406His (NM_001099222.3, NM_001099223.3, NM_001349928.2); short protein forms R406H.
Identifiers: ClinVar variation 1465889 (VCV001465889.8), dbSNP rs370969303, ClinGen allele CA5015612.
Genomic context (GRCh38, chr9:27,048,158, plus strand): 5'-CTAACTAAATCAGTGGATTTTTTTCTATTTTTATTTCTCTGCAAATGCAGAATATAAATC[G>A]TATAGAACAGATATCCTCTATCACCAATCAAGAGCTAAAGATGATGCAGGATGACCTCAA-3'
Protein context (NP_079379.2, residues 396-416): LLEHCSRNIN[Arg406His]IEQISSITNQ